The following is an entry in ClinVar:

ClinVar aggregate classification (germline): Uncertain significance (1 of 4 stars; one submission).

Allele frequency attached by ClinVar (database versions not stated): gnomAD 0.00001; TOPMed 0.00001; ExAC 0.00002.
gnomAD v4.1: 6 of 1,614,044 alleles (0.00037%); highest among the groups gnomAD compares: Non-Finnish European, 0.00051%; no homozygotes.

Submission:

Labcorp Genetics (formerly Invitae), Labcorp
Classification: Uncertain significance. Last evaluated: 2022-02-24. Review status: criteria provided, single submitter. Criteria: Invitae Variant Classification Sherloc (09022015). Collection method: clinical testing. Allele origin: germline.
Comment: In summary, the available evidence is currently insufficient to determine the role of this variant in disease. Therefore, it has been classified as a Variant of Uncertain Significance. Algorithms developed to predict the effect of missense changes on protein structure and function are either unavailable or do not agree on the potential impact of this missense change (SIFT: "Deleterious"; PolyPhen-2: "Probably Damaging"; Align-GVGD: "Class C15"). This variant has not been reported in the literature in individuals affected with PODXL-related conditions. This variant is present in population databases (rs748347718, gnomAD 0.003%). This sequence change replaces aspartic acid, which is acidic and polar, with asparagine, which is neutral and polar, at codon 504 of the PODXL protein (p.Asp504Asn).

NM_001018111.3(PODXL):c.1606G>A (p.Asp536Asn)

Gene: PODXL (podocalyxin like; minus strand). Cytogenetic location: 7q32.3.
Variant type: single nucleotide variant.
Coding change: c.1606G>A on transcript NM_001018111.3 (MANE Select); coding-DNA position 1606, G replaced by A.
Protein change: p.Asp536Asn; replaces aspartic acid 536 with asparagine.
Molecular consequence: missense variant.
Genome position (GRCh38, 1-based): chr7:131,504,382, C>T on the plus strand (G>A on the coding strand, the complement: PODXL is on the minus strand). VCF-style: chr7-131504382-C-T. GRCh37 (hg19) VCF-style: chr7-131189141-C-T.
Other names: c.1510G>A, p.Asp504Asn (NM_005397.4); short protein forms D504N, D536N.
Identifiers: ClinVar variation 1949928 (VCV001949928.5), dbSNP rs748347718, ClinGen allele CA4488306.